The following is an entry in ClinVar:

NM_000384.3(APOB):c.11040T>G (p.Tyr3680Ter)

Gene: APOB (apolipoprotein B; minus strand). Cytogenetic location: 2p24.1.
Variant type: single nucleotide variant.
Coding change: c.11040T>G on transcript NM_000384.3 (MANE Select); coding-DNA position 11040, T replaced by G.
Protein change: p.Tyr3680Ter; replaces tyrosine 3680 with a stop codon.
Molecular consequence: nonsense.
Genome position (GRCh38, 1-based): chr2:21,005,828, A>C on the plus strand (T>G on the coding strand, the complement: APOB is on the minus strand). VCF-style: chr2-21005828-A-C. GRCh37 (hg19) VCF-style: chr2-21228700-A-C.
Other names: c.11040T>G (NM_000384.2); short protein forms Y3680*.
Identifiers: ClinVar variation 1323325 (VCV001323325.11), dbSNP rs1663118269, ClinGen allele CA345983842.

ClinVar aggregate classification (germline): Pathogenic/Likely pathogenic. Review status: criteria provided, multiple submitters, no conflicts (2 of 4 stars). 5 submissions from 5 submitters: Pathogenic (3); Likely pathogenic (1). 1 of the submissions does not count toward it. Last evaluated 2024-07-03.

Conditions:
APOB-related disorder. Also called: APOB-related disorders; APOB-related condition.
Familial hypobetalipoproteinemia 1. Also called: APOB-Related Familial Hypobetalipoproteinemia; Hypobetalipoproteinemia, normotriglyceridemic; Acanthocytosis with hypobetalipoproteinemia. Identifiers: MedGen C4551990, MONDO:0014252, OMIM 615558.
Hypercholesterolemia, autosomal dominant, type B (FHCL2). Also called: APOB-Related Familial Hypercholesterolemia, Autosomal Dominant; HYPERCHOLESTEROLEMIA, FAMILIAL, DUE TO LIGAND-DEFECTIVE APOLIPOPROTEIN B; Hyperlipoproteinemia Type IIb; Familial Hypercholesterolemia Type B; APOLIPOPROTEIN B-100, FAMILIAL DEFECTIVE; APOLIPOPROTEIN B-100, FAMILIAL LIGAND-DEFECTIVE. Identifiers: MedGen C1704417, MONDO:0007751, OMIM 144010.
Cardiovascular phenotype. Identifiers: MedGen CN230736.

Allele frequency attached by ClinVar (database versions not stated): TOPMed below 0.00001.

Submissions (5):

Labcorp Genetics (formerly Invitae), Labcorp
Classification: Pathogenic for Familial hypobetalipoproteinemia 1; Hypercholesterolemia, autosomal dominant, type B. Last evaluated: 2024-07-03. Review status: criteria provided, single submitter. Criteria: Invitae Variant Classification Sherloc (09022015). Collection method: clinical testing. Allele origin: germline.
Comment: This sequence change creates a premature translational stop signal (p.Tyr3680*) in the APOB gene. It is expected to result in an absent or disrupted protein product. Loss-of-function variants in APOB are known to be pathogenic (PMID: 20032471). This variant is not present in population databases (gnomAD no frequency). This premature translational stop signal has been observed in individual(s) with hypobetalipoproteinemia (PMID: 12124991). This variant is also known as 11163T>G. ClinVar contains an entry for this variant (Variation ID: 1323325). For these reasons, this variant has been classified as Pathogenic.

Ambry Genetics
Classification: Pathogenic for Cardiovascular phenotype. Last evaluated: 2023-01-21. Review status: criteria provided, single submitter. Criteria: Ambry Variant Classification Scheme 2023. Collection method: clinical testing. Allele origin: germline.
Comment: The p.Y3680* pathogenic mutation (also known as c.11040T>G), located in coding exon 26 of the APOB gene, results from a T to G substitution at nucleotide position 11040. This changes the amino acid from a tyrosine to a stop codon within coding exon 26. This variant, also referred to as Y3653X, has been detected in the heterozygous state in individuals and families with hypocholesterolemia and reduced serum apolipoprotein B (Yue P et al. Hum Mutat, 2002 Aug;20:110-6; Whitfield AJ et al. Clin Chem, 2005 Jan;51:266-9; Gao F et al. Acta Diabetol, 2015 Jun;52:531-7). Although biallelic loss of function alterations in APOB have been associated with autosomal recessive hypobetalipoproteinemia, haploinsufficiency for APOB has not been clearly established as a mechanism of disease for autosomal dominant familial hypercholesterolemia. Based on the supporting evidence, this variant would be expected to cause autosomal recessive hypobetalipoproteinemia when present along with a second pathogenic or likely pathogenic variant on the other allele; however, the association of this alteration with autosomal dominant familial hypercholesterolemia is unlikely.

Greenwood Genetic Center Diagnostic Laboratories, Greenwood Genetic Center
Classification: Likely pathogenic for Hypercholesterolemia, autosomal dominant, type B. Last evaluated: 2021-08-09. Review status: criteria provided, single submitter. Criteria: ACMG Guidelines, 2015. Collection method: clinical testing. Allele origin: germline.
Comment: PVS1, PM2

Fulgent Genetics
Classification: Pathogenic for Hypercholesterolemia, autosomal dominant, type B; Familial hypobetalipoproteinemia 1. Last evaluated: 2021-07-19. Review status: criteria provided, single submitter. Criteria: ACMG Guidelines, 2015. Collection method: clinical testing. Allele origin: unknown.

PreventionGenetics, part of Exact Sciences
Classification: Pathogenic for APOB-related condition. Last evaluated: 2024-05-25. Review status: no assertion criteria provided. Collection method: clinical testing. Allele origin: germline. Not counted in ClinVar's aggregate classification.
Comment: The APOB c.11040T>G variant is predicted to result in premature protein termination (p.Tyr3680*). This variant was reported in at least three families with hyobetalipoproteinemia and has been shown to segregate with disease (Yue et al. 2002. PubMed ID: 12124991; Whitfield et al. 2003. PubMed ID: 12872264, also reported in Whitfield et al. 2005. PubMed ID: 15514099 and Hooper et al. 2016. PubMed ID: 26916057; Gao et al. 2014. PubMed ID: 25430706). This variant has not been reported in a large population database, indicating this variant is rare. Nonsense variants in APOB are expected to be pathogenic. This variant is interpreted as pathogenic.

Literature cited by the submitters: PubMed 20032471 (cited by Labcorp Genetics (formerly Invitae), Labcorp); PubMed 12124991 (cited by Labcorp Genetics (formerly Invitae), Labcorp and Ambry Genetics); PubMed 12872264 (cited by Ambry Genetics); PubMed 15514099 (cited by Ambry Genetics); PubMed 25430706 (cited by Ambry Genetics).